The following is an entry in ClinVar:

NM_000083.3(CLCN1):c.14G>A (p.Arg5Gln)

Gene: CLCN1 (chloride voltage-gated channel 1; plus strand). Cytogenetic location: 7q34.
Variant type: single nucleotide variant.
Coding change: c.14G>A on transcript NM_000083.3 (MANE Select); coding-DNA position 14, G replaced by A.
Protein change: p.Arg5Gln; replaces arginine 5 with glutamine.
Molecular consequence: missense variant. On other transcripts: non-coding transcript variant (1).
Genome position (GRCh38, 1-based): chr7:143,316,226, G>A. VCF-style: chr7-143316226-G-A. GRCh37 (hg19) VCF-style: chr7-143013319-G-A.
Other names: c.14G>A (NM_000083.2); short protein forms R5Q.
Identifiers: ClinVar variation 2156515 (VCV002156515.3), dbSNP rs201327261, ClinGen allele CA4536799.
Genomic context (GRCh38, chr7:143,316,226, plus strand): 5'-CAGGGGCAAGCAGGCCAAGGCCTGGCCGGGGCTCGGGGGGAGGGAATATGGAGCAATCCC[G>A]GTCACAGCAGCGTGGGGGTGAACAAAGCTGGTGGGGTAGTGACCCCCAGTACCAGTATAT-3'
Protein context (NP_000074.3, residues 1-15): MEQS[Arg5Gln]SQQRGGEQSW

ClinVar aggregate classification (germline): Uncertain significance. Review status: criteria provided, multiple submitters, no conflicts (2 of 4 stars). 2 submissions from 2 submitters: Uncertain significance (2). Last evaluated 2025-03-05.

Conditions:
Inborn genetic diseases. Identifiers: MedGen C0950123, MeSH D030342.
Congenital myotonia, autosomal recessive form. Also called: BECKER DISEASE; Becker Generalized Myotonia; myotonia congenita, autosomal recessive. Identifiers: Orphanet 614, MedGen C0751360, MONDO:0009715, OMIM 255700.
Congenital myotonia, autosomal dominant form (THD). Also called: THOMSEN DISEASE; Myotonia congenita autosomal dominant. Identifiers: Orphanet 614, MedGen C2936781, MONDO:0008055, OMIM 160800.

Allele frequency attached by ClinVar (database versions not stated): 1000 Genomes Project 30x 0.00016; 1000 Genomes Project 0.00020; TOPMed 0.00001; ExAC 0.00002; gnomAD 0.00003.
gnomAD v4.1: 28 of 1,613,244 alleles (0.0017%); highest among the groups gnomAD compares: East Asian, 0.0067%; no homozygotes.

Submissions (2):

Ambry Genetics
Classification: Uncertain significance for Inborn genetic diseases. Last evaluated: 2025-03-05. Review status: criteria provided, single submitter. Criteria: Ambry Variant Classification Scheme 2023. Collection method: clinical testing. Allele origin: germline.

Labcorp Genetics (formerly Invitae), Labcorp
Classification: Uncertain significance for Congenital myotonia, autosomal recessive form; Congenital myotonia, autosomal dominant form. Last evaluated: 2024-10-03. Review status: criteria provided, single submitter. Criteria: Invitae Variant Classification Sherloc (09022015). Collection method: clinical testing. Allele origin: germline.
Comment: This sequence change replaces arginine, which is basic and polar, with glutamine, which is neutral and polar, at codon 5 of the CLCN1 protein (p.Arg5Gln). This variant is present in population databases (rs201327261, gnomAD 0.01%). This variant has not been reported in the literature in individuals affected with CLCN1-related conditions. ClinVar contains an entry for this variant (Variation ID: 2156515). Invitae Evidence Modeling of protein sequence and biophysical properties (such as structural, functional, and spatial information, amino acid conservation, physicochemical variation, residue mobility, and thermodynamic stability) indicates that this missense variant is not expected to disrupt CLCN1 protein function with a negative predictive value of 95%. In summary, the available evidence is currently insufficient to determine the role of this variant in disease. Therefore, it has been classified as a Variant of Uncertain Significance.